The following is an entry in ClinVar:

NM_153704.6(TMEM67):c.1351C>A (p.Arg451=)

Gene: TMEM67 (transmembrane protein 67; plus strand). Cytogenetic location: 8q22.1.
Variant type: single nucleotide variant.
Coding change: c.1351C>A on transcript NM_153704.6 (MANE Select); coding-DNA position 1351, C replaced by A.
Protein change: p.Arg451=; no amino-acid change (arginine 451 retained).
Molecular consequence: synonymous variant. On other transcripts: non-coding transcript variant (1).
Genome position (GRCh38, 1-based): chr8:93,786,285, C>A. VCF-style: chr8-93786285-C-A. GRCh37 (hg19) VCF-style: chr8-94798513-C-A.
Other names: c.1108C>A, p.Arg370= (NM_001142301.1).
Identifiers: ClinVar variation 389128 (VCV000389128.1), dbSNP rs116647652, ClinGen allele CA16605525.

ClinVar aggregate classification (germline): Likely benign (1 of 4 stars; one submission).

Submission:

GeneDx
Classification: Likely benign. Last evaluated: 2016-09-01. Review status: criteria provided, single submitter. Criteria: GeneDx Variant Classification (06012015). Collection method: clinical testing. Allele origin: germline. Affected: yes.
Comment: This variant is considered likely benign or benign based on one or more of the following criteria: it is a conservative change, it occurs at a poorly conserved position in the protein, it is predicted to be benign by multiple in silico algorithms, and/or has population frequency not consistent with disease.